The following is an entry in ClinVar:

NM_198576.4(AGRN):c.2752T>C (p.Ser918Pro)

Gene: AGRN (agrin; plus strand). Cytogenetic location: 1p36.33.
Variant type: single nucleotide variant.
Coding change: c.2752T>C on transcript NM_198576.4 (MANE Select); coding-DNA position 2752, T replaced by C.
Protein change: p.Ser918Pro; replaces serine 918 with proline.
Molecular consequence: missense variant.
Genome position (GRCh38, 1-based): chr1:1,046,035, T>C. VCF-style: chr1-1046035-T-C. GRCh37 (hg19) VCF-style: chr1-981415-T-C.
Other names: c.2752T>C, p.Ser918Pro (NM_001305275.2); c.2437T>C, p.Ser813Pro (NM_001364727.2); short protein forms S918P, S813P.
Identifiers: ClinVar variation 3722429 (VCV003722429.2).
Genomic context (GRCh38, chr1:1,046,035, plus strand): 5'-CCTGCGACCTGTGCGGAGATGCGCTGTGAGTTCGGTGCGCGGTGCGTGGAGGAGTCTGGC[T>C]CAGCCCACTGTGTCTGCCCGATGCTCACCTGTCCAGAGGCCAACGCTACCAAGGTGAGGG-3'
Protein context (NP_940978.2, residues 908-928): FGARCVEESG[Ser918Pro]AHCVCPMLTC

ClinVar aggregate classification (germline): Uncertain significance (1 of 4 stars; one submission).

Conditions:
Congenital myasthenic syndrome 8. Also called: MYASTHENIC SYNDROME, CONGENITAL, DUE TO AGRIN DEFICIENCY; Myasthenic syndrome, congenital, 8, with pre- and postsynaptic defects. Identifiers: Orphanet 590, MedGen C3808739, MONDO:0014052, OMIM 615120.

gnomAD v4.1: 2 of 1,614,032 alleles (0.00012%); highest among the groups gnomAD compares: South Asian, 0.0011%; no homozygotes.

Submission:

Labcorp Genetics (formerly Invitae), Labcorp
Classification: Uncertain significance for Congenital myasthenic syndrome 8. Last evaluated: 2024-10-07. Review status: criteria provided, single submitter. Criteria: Invitae Variant Classification Sherloc (09022015). Collection method: clinical testing. Allele origin: germline.
Comment: This sequence change replaces serine, which is neutral and polar, with proline, which is neutral and non-polar, at codon 918 of the AGRN protein (p.Ser918Pro). This variant is not present in population databases (gnomAD no frequency). This variant has not been reported in the literature in individuals affected with AGRN-related conditions. An algorithm developed to predict the effect of missense changes on protein structure and function (PolyPhen-2) suggests that this variant is likely to be tolerated. In summary, the available evidence is currently insufficient to determine the role of this variant in disease. Therefore, it has been classified as a Variant of Uncertain Significance.